The following is an entry in ClinVar:

NM_020529.3(NFKBIA):c.846G>C (p.Glu282Asp)

Gene: NFKBIA (NFKB inhibitor alpha; minus strand). Cytogenetic location: 14q13.2.
Variant type: single nucleotide variant.
Coding change: c.846G>C on transcript NM_020529.3 (MANE Select); coding-DNA position 846, G replaced by C.
Protein change: p.Glu282Asp; replaces glutamic acid 282 with aspartic acid.
Molecular consequence: missense variant.
Genome position (GRCh38, 1-based): chr14:35,402,454, C>G on the plus strand (G>C on the coding strand, the complement: NFKBIA is on the minus strand). VCF-style: chr14-35402454-C-G. GRCh37 (hg19) VCF-style: chr14-35871660-C-G.
Other names: short protein forms E282D.
Identifiers: ClinVar variation 4809035 (VCV004809035.1).

ClinVar aggregate classification (germline): Uncertain significance (1 of 4 stars; one submission).

Conditions:
Ectodermal dysplasia and immunodeficiency 2. Identifiers: Orphanet 238468, Orphanet 98813, MedGen C2677481, MONDO:0012806, OMIM 612132.

gnomAD v4.1: 1 of 1,614,208 alleles (0.000062%); no homozygotes.

Submission:

Labcorp Genetics (formerly Invitae), Labcorp
Classification: Uncertain significance for Ectodermal dysplasia and immunodeficiency 2. Last evaluated: 2025-09-14. Review status: criteria provided, single submitter. Criteria: Invitae Variant Classification Sherloc (09022015). Collection method: clinical testing. Allele origin: germline.
Comment: This sequence change replaces glutamic acid, which is acidic and polar, with aspartic acid, which is acidic and polar, at codon 282 of the NFKBIA protein (p.Glu282Asp). This variant is not present in population databases (gnomAD no frequency). This variant has not been reported in the literature in individuals affected with NFKBIA-related conditions. An algorithm developed to predict the effect of missense changes on protein structure and function (PolyPhen-2) suggests that this variant is likely to be disruptive. In summary, the available evidence is currently insufficient to determine the role of this variant in disease. Therefore, it has been classified as a Variant of Uncertain Significance.